The following is an entry in ClinVar:

ClinVar aggregate classification (germline): Likely benign. Review status: criteria provided, multiple submitters, no conflicts (2 of 4 stars). 3 submissions from 3 submitters: Likely benign (2). 1 of the submissions does not count toward it. Last evaluated 2026-09-01.

Conditions:
TCF20-related disorder. Also called: TCF20-related condition.

Allele frequency attached by ClinVar (database versions not stated): ExAC 0.00002; TOPMed 0.00006; gnomAD 0.00007; ESP Exome Variant Server 0.00008; gnomAD exomes 0.00010.
gnomAD v4.1: 157 of 1,614,042 alleles (0.0097%); highest among the groups gnomAD compares: Non-Finnish European, 0.013%; no homozygotes.

Submissions (3):

CeGaT Center for Human Genetics Tuebingen
Classification: Likely benign. Last evaluated: 2026-09-01. Review status: criteria provided, single submitter. Criteria: CeGaT Center For Human Genetics Tuebingen Variant Classification Criteria Version 2. Collection method: clinical testing. Allele origin: germline. Affected: yes. Observed: 1 variant allele.
Comment: TCF20: BP4, BS2

Labcorp Genetics (formerly Invitae), Labcorp
Classification: Likely benign. Last evaluated: 2024-12-12. Review status: criteria provided, single submitter. Criteria: Invitae Variant Classification Sherloc (09022015). Collection method: clinical testing. Allele origin: germline.

PreventionGenetics, part of Exact Sciences
Classification: Likely benign for TCF20-related condition. Last evaluated: 2020-01-02. Review status: no assertion criteria provided. Collection method: clinical testing. Allele origin: germline. Not counted in ClinVar's aggregate classification.
Comment: This variant is classified as likely benign based on ACMG/AMP sequence variant interpretation guidelines (Richards et al. 2015 PMID: 25741868, with internal and published modifications).

NM_001378418.1(TCF20):c.3594C>T (p.Ala1198=)

Gene: TCF20 (transcription factor 20; minus strand). Cytogenetic location: 22q13.2.
Variant type: single nucleotide variant.
Coding change: c.3594C>T on transcript NM_001378418.1 (MANE Select); coding-DNA position 3594, C replaced by T.
Protein change: p.Ala1198=; no amino-acid change (alanine 1198 retained).
Molecular consequence: synonymous variant.
Genome position (GRCh38, 1-based): chr22:42,211,712, G>A on the plus strand (C>T on the coding strand, the complement: TCF20 is on the minus strand). VCF-style: chr22-42211712-G-A. GRCh37 (hg19) VCF-style: chr22-42607718-G-A.
Other names: c.3594C>T (NM_005650.3); c.3594C>T, p.Ala1198= (NM_005650.4, NM_181492.3).
Identifiers: ClinVar variation 2071090 (VCV002071090.7), dbSNP rs376613460, ClinGen allele CA10266802.